The following is an entry in ClinVar:

NM_001042492.3(NF1):c.2409+1G>A

Gene: NF1 (neurofibromin 1; plus strand). Cytogenetic location: 17q11.2.
Variant type: single nucleotide variant.
Coding change: c.2409+1G>A on transcript NM_001042492.3 (MANE Select); the canonical splice donor site of the intron after coding-DNA position 2409, G replaced by A.
Molecular consequence: splice donor variant.
Genome position (GRCh38, 1-based): chr17:31,227,607, G>A. VCF-style: chr17-31227607-G-A. GRCh37 (hg19) VCF-style: chr17-29554625-G-A.
Other names: c.2409+1G>A (NM_000267.4, NM_001042492.2).
Identifiers: ClinVar variation 648121 (VCV000648121.23), dbSNP rs1555614022, ClinGen allele CA398983341.
Genomic context (GRCh38, chr17:31,227,607, plus strand): 5'-TGGGAACAAGCAACAAAGCTAATCCTTAACTATCCAAAAGCCAAAATGGAAGATGGCCAG[G>A]TAAGTCTGTAAAGTTGACTTTTGTCTGTTAACTGATCTGCTAAATATATGTACTTCACTT-3'

ClinVar aggregate classification (germline): Pathogenic. Review status: criteria provided, multiple submitters, no conflicts (2 of 4 stars). 11 submissions from 11 submitters: Pathogenic (11). Last evaluated 2026-06-09.

Conditions:
Hereditary cancer-predisposing syndrome. Also called: Tumor predisposition; Hereditary Cancer Syndrome; Hereditary neoplastic syndrome; Neoplastic Syndromes, Hereditary. Identifiers: Orphanet 140162, MedGen C0027672, MeSH D009386, MONDO:0015356.
Cardiovascular phenotype. Identifiers: MedGen CN230736.
Neurofibromatosis, type 1 (NF1). Also called: VON RECKLINGHAUSEN DISEASE; Neurofibromatosis, type I; Peripheral type neurofibromatosis; NEUROFIBROMATOSIS, TYPE I, SOMATIC. Identifiers: Orphanet 636, MedGen C0027831, MONDO:0018975, OMIM 162200. Disease mechanism: loss of function.

gnomAD v4.1: 2 of 1,613,370 alleles (0.00012%); highest among the groups gnomAD compares: South Asian, 0.0011%; no homozygotes.

Submissions (11):

Myriad Genetics, Inc.
Classification: Pathogenic for Neurofibromatosis, type 1. Last evaluated: 2026-06-09. Review status: criteria provided, single submitter. Criteria: Myriad Autosomal Dominant, Autosomal Recessive and X-Linked Classification Criteria (2023). Collection method: clinical testing. Allele origin: unknown.
Comment: This variant is considered pathogenic. This variant occurs within a consensus splice junction and is predicted to result in abnormal mRNA splicing of either an out-of-frame exon or an in-frame exon necessary for protein stability and/or normal function. This variant has been reported in multiple individuals with clinical features of gene-specific disease [PMID: 9150739, 31776437, 24789688, 40169570, 35885913].

Department of Genetics, Sultan Qaboos University Hospital
Classification: Pathogenic for Neurofibromatosis, type 1. Last evaluated: 2026-04-01. Review status: criteria provided, single submitter. Criteria: ACMG Guidelines, 2015. Collection method: clinical testing. Allele origin: germline. Affected: yes. Observed: 1 variant allele.
Comment: PVS1_Moderate,PM2,PP5_Very_Strong

NHS Central & South Genomic Laboratory Hub
Classification: Pathogenic for Neurofibromatosis type 1. Last evaluated: 2025-06-05. Review status: criteria provided, single submitter. Criteria: ACMG Guidelines, 2015. Collection method: clinical testing. Allele origin: germline. Affected: yes.

Ambry Genetics
Classification: Pathogenic for Cardiovascular phenotype; Hereditary cancer-predisposing syndrome. Last evaluated: 2025-01-15. Review status: criteria provided, single submitter. Criteria: Ambry Variant Classification Scheme 2023. Collection method: clinical testing. Allele origin: germline.
Comment: The c.2409+1G>A intronic pathogenic mutation results from a G to A substitution one nucleotide after coding exon 20 of the NF1 gene. This mutation has been detected in multiple individuals with a clinical diagnosis or clinical features of neurofibromatosis type 1 (NF1) (Maynard J et al. Hum. Genet., 1997 May;99:674-6; Lee MJ et al. Hum. Mutat., 2006 Aug;27:832; Kang E et al. J Hum Genet, 2020 Jan;65:79-89; Ambry internal data). Other alterations impacting the same donor site (c.2409+1G>C, c.2409+1G>T, and c.2409+2T>G) have been reported in individuals with a clinical diagnosis or suspicion of NF1 and shown to cause skipping of exon 20 (Lee MJ et al. Hum. Mutat., 2006 Aug;27:832; Tang SC et al. J. Neurol. Sci., 2006 Apr;243:53-5; Bausch B et al. J. Clin. Endocrinol. Metab., 2007 Jul;92:2784-92; Pros E et al. Hum. Mutat., 2008 Sep;29:E173-93). In silico splice site analysis predicts that c.2409+1G>A will weaken the native splice donor site. RNA studies have demonstrated that this alteration results in skipping of exon 20 in the set of samples tested (Ambry internal data). Based on the supporting evidence, this alteration is interpreted as a disease-causing mutation.

Labcorp Genetics (formerly Invitae), Labcorp
Classification: Pathogenic for Neurofibromatosis, type 1. Last evaluated: 2024-11-12. Review status: criteria provided, single submitter. Criteria: Invitae Variant Classification Sherloc (09022015). Collection method: clinical testing. Allele origin: germline.
Comment: This sequence change affects a donor splice site in intron 20 of the NF1 gene. RNA analysis indicates that disruption of this splice site induces altered splicing and may result in an absent or altered protein product. This variant is not present in population databases (gnomAD no frequency). Disruption of this splice site has been observed in individuals with neurofibromatosis type 1 (PMID: 9150739, 16835897; internal data). ClinVar contains an entry for this variant (Variation ID: 648121). Studies have shown that disruption of this splice site results in intron retention and skipping of exon 20, and produces a non-functional protein and/or introduces a premature termination codon (internal data). For these reasons, this variant has been classified as Pathogenic.

3billion
Classification: Pathogenic for Neurofibromatosis, type 1. Last evaluated: 2024-07-08. Review status: criteria provided, single submitter. Criteria: ACMG Guidelines, 2015. Collection method: clinical testing. Allele origin: germline. Affected: yes.
Comment: The variant is observed at an extremely low frequency in the gnomAD v4.0.0 dataset (total allele frequency: <0.001%). Predicted Consequence/Location: Canonical splice site: predicted to alter splicing and result in a loss or disruption of normal protein function. Multiple pathogenic loss-of-function variants are reported downstream of the variant. In silico tools predict the variant to alter splicing and produce an abnormal transcript [SpliceAI: 1.00 (spliceogenicity >=0.2, non-spliceogenicity <0.1)]. The variant has been reported at least twice as pathogenic with clinical assertions and evidence for the classification (ClinVar ID: VCV000648121 /PMID: 9150739). Therefore, this variant is classified as Pathogenic according to the recommendation of ACMG/AMP guideline.

Institute of Medical Genetics and Applied Genomics, University Hospital Tübingen
Classification: Pathogenic for Neurofibromatosis, type 1. Last evaluated: 2023-12-29. Review status: criteria provided, single submitter. Criteria: ACMG Guidelines, 2015. Collection method: clinical testing. Allele origin: germline. Inheritance: Autosomal dominant inheritance. Affected: yes.

GeneDx
Classification: Pathogenic. Last evaluated: 2022-07-27. Review status: criteria provided, single submitter. Criteria: GeneDx Variant Classification Process June 2021. Collection method: clinical testing. Allele origin: germline. Affected: yes.
Comment: Canonical splice site variant predicted to result in an in-frame deletion of the adjacent exon, which would disrupt the critical GTPase activating protein domain (Luo et al., 2014); Not observed at significant frequency in large population cohorts (gnomAD); Deletions involving coding exons of this gene are a known mechanism of disease (HGMD); This variant is associated with the following publications: (PMID: 25525159, 9150739, 24789688, 16835897, 25486365, 31776437, 35885913)

Genome-Nilou Lab
Classification: Pathogenic for Neurofibromatosis, type 1. Last evaluated: 2022-03-15. Review status: criteria provided, single submitter. Criteria: ACMG Guidelines, 2015. Collection method: clinical testing. Allele origin: germline. Affected: no.

Genome Diagnostics Laboratory, The Hospital for Sick Children
Classification: Pathogenic for Neurofibromatosis, type 1. Last evaluated: 2020-10-26. Review status: criteria provided, single submitter. Criteria: ACMG Guidelines, 2015. Collection method: clinical testing. Allele origin: germline. Affected: yes.

Clinical Genetics Service, Universitary Hospital 12 de Octubre
Classification: Pathogenic for Neurofibromatosis, type 1. Review status: criteria provided, single submitter. Criteria: ACMG Guidelines, 2015. Collection method: clinical testing. Allele origin: germline. Affected: yes.

Literature cited by the submitters: PubMed 9150739 (cited by 4 submitters); PubMed 31776437 (cited by Myriad Genetics, Inc. and Ambry Genetics); PubMed 24789688 (cited by Myriad Genetics, Inc.); PubMed 40169570 (cited by Myriad Genetics, Inc.); PubMed 35885913 (cited by Myriad Genetics, Inc.); PubMed 16414076 (cited by Ambry Genetics); PubMed 16835897 (cited by Ambry Genetics and Labcorp Genetics (formerly Invitae), Labcorp); PubMed 17426081 (cited by Ambry Genetics); PubMed 18546366 (cited by Ambry Genetics).